The following is an entry in ClinVar:

ClinVar aggregate classification (germline): Uncertain significance (1 of 4 stars; one submission).

Conditions:
Hereditary breast ovarian cancer syndrome. Also called: Hereditary breast and ovarian cancer syndrome; BRCA1- and BRCA2-Associated Hereditary Breast and Ovarian Cancer; Breast and ovarian cancer; Hereditary breast and/or ovarian cancer syndrome; Hereditary breast and ovarian cancer syndrome (HBOC); Hereditary breast and ovarian cancer. Identifiers: Orphanet 145, MedGen C0677776, MeSH D061325, MONDO:0003582. Disease mechanism: loss of function.

Submission:

Labcorp Genetics (formerly Invitae), Labcorp
Classification: Uncertain significance for Hereditary breast ovarian cancer syndrome. Last evaluated: 2021-01-31. Review status: criteria provided, single submitter. Criteria: Invitae Variant Classification Sherloc (09022015). Collection method: clinical testing. Allele origin: germline.
Comment: This sequence change replaces glycine with aspartic acid at codon 2353 of the BRCA2 protein (p.Gly2353Asp). The glycine residue is weakly conserved and there is a moderate physicochemical difference between glycine and aspartic acid. This variant is not present in population databases (ExAC no frequency). In summary, the available evidence is currently insufficient to determine the role of this variant in disease. Therefore, it has been classified as a Variant of Uncertain Significance. Advanced modeling of protein sequence and biophysical properties (such as structural, functional, and spatial information, amino acid conservation, physicochemical variation, residue mobility, and thermodynamic stability) performed at Invitae indicates that this missense variant is not expected to disrupt BRCA2 protein function. This variant has not been reported in the literature in individuals with BRCA2-related conditions.

NM_000059.4(BRCA2):c.7058G>A (p.Gly2353Asp)

Gene: BRCA2 (BRCA2 DNA repair associated; plus strand). Cytogenetic location: 13q13.1.
Variant type: single nucleotide variant.
Coding change: c.7058G>A on transcript NM_000059.4 (MANE Select); coding-DNA position 7058, G replaced by A.
Protein change: p.Gly2353Asp; replaces glycine 2353 with aspartic acid.
Molecular consequence: missense variant.
Genome position (GRCh38, 1-based): chr13:32,354,911, G>A. VCF-style: chr13-32354911-G-A. GRCh37 (hg19) VCF-style: chr13-32929048-G-A.
Other names: short protein forms G2353D.
Identifiers: ClinVar variation 1406297 (VCV001406297.8), dbSNP rs2137555553, ClinGen allele CA387738325.
Genomic context (GRCh38, chr13:32,354,911, plus strand): 5'-CCCATTGCAGCACAACTAAGGAACGTCAAGAGATACAGAATCCAAATTTTACCGCACCTG[G>A]TCAAGAATTTCTGTCTAAATCTCATTTGTATGAACATCTGACTTTGGAAAAATCTTCAAG-3'
Protein context (NP_000050.3, residues 2343-2363): EIQNPNFTAP[Gly2353Asp]QEFLSKSHLY